The following is an entry in ClinVar:

ClinVar aggregate classification (germline): Uncertain significance. Review status: criteria provided, multiple submitters, no conflicts (2 of 4 stars). 2 submissions from 2 submitters: Uncertain significance (2). Last evaluated 2024-11-08.

Conditions:
Inborn genetic diseases. Identifiers: MedGen C0950123, MeSH D030342.

Allele frequency attached by ClinVar (database versions not stated): gnomAD 0.00001; TOPMed 0.00001.
gnomAD v4.1: 5 of 1,613,884 alleles (0.00031%); highest among the groups gnomAD compares: East Asian, 0.0045%; no homozygotes.

Submissions (2):

Labcorp Genetics (formerly Invitae), Labcorp
Classification: Uncertain significance. Last evaluated: 2024-11-08. Review status: criteria provided, single submitter. Criteria: Invitae Variant Classification Sherloc (09022015). Collection method: clinical testing. Allele origin: germline.
Comment: This sequence change replaces valine, which is neutral and non-polar, with isoleucine, which is neutral and non-polar, at codon 565 of the COL7A1 protein (p.Val565Ile). This variant is present in population databases (rs753859648, gnomAD 0.006%). This variant has not been reported in the literature in individuals affected with COL7A1-related conditions. ClinVar contains an entry for this variant (Variation ID: 2532283). Invitae Evidence Modeling of protein sequence and biophysical properties (such as structural, functional, and spatial information, amino acid conservation, physicochemical variation, residue mobility, and thermodynamic stability) indicates that this missense variant is not expected to disrupt COL7A1 protein function with a negative predictive value of 95%. In summary, the available evidence is currently insufficient to determine the role of this variant in disease. Therefore, it has been classified as a Variant of Uncertain Significance.

Ambry Genetics
Classification: Uncertain significance for Inborn genetic diseases. Last evaluated: 2023-04-03. Review status: criteria provided, single submitter. Criteria: Ambry Variant Classification Scheme 2023. Collection method: clinical testing. Allele origin: germline.

NM_000094.4(COL7A1):c.1693G>A (p.Val565Ile)

Gene: COL7A1 (collagen type VII alpha 1 chain; minus strand). Cytogenetic location: 3p21.31.
Variant type: single nucleotide variant.
Coding change: c.1693G>A on transcript NM_000094.4 (MANE Select); coding-DNA position 1693, G replaced by A.
Protein change: p.Val565Ile; replaces valine 565 with isoleucine.
Molecular consequence: missense variant.
Genome position (GRCh38, 1-based): chr3:48,590,760, C>T on the plus strand (G>A on the coding strand, the complement: COL7A1 is on the minus strand). VCF-style: chr3-48590760-C-T. GRCh37 (hg19) VCF-style: chr3-48628193-C-T.
Other names: short protein forms V565I.
Identifiers: ClinVar variation 2532283 (VCV002532283.3), dbSNP rs753859648, ClinGen allele CA73990202.